The following is an entry in ClinVar:

ClinVar aggregate classification (germline): Benign. Review status: criteria provided, multiple submitters, no conflicts (2 of 4 stars). 3 submissions from 3 submitters: Benign (3). Last evaluated 2026-01-29.

Conditions:
Familial hypoparathyroidism. Also called: Familial isolated hypoparathyroidism. Identifiers: Orphanet 2238, MedGen C1832648, MONDO:0016390.

Allele frequency attached by ClinVar (database versions not stated): gnomAD exomes 0.00336; ExAC 0.00421; gnomAD 0.01409 and 0.01524; 1000 Genomes Project 0.01518; TOPMed 0.01605; ESP Exome Variant Server 0.01678; 1000 Genomes Project 30x 0.01702.
gnomAD v4.1: 4,167 of 1,614,114 alleles (0.26%); highest among the groups gnomAD compares: African/African-American, 5%; 90 homozygotes.

Submissions (3):

Labcorp Genetics (formerly Invitae), Labcorp
Classification: Benign. Last evaluated: 2026-01-29. Review status: criteria provided, single submitter. Criteria: Invitae Variant Classification Sherloc (09022015). Collection method: clinical testing. Allele origin: germline.

Illumina Laboratory Services, Illumina
Classification: Benign for Hypoparathyroidism, familial isolated 1. Last evaluated: 2018-01-13. Review status: criteria provided, single submitter. Criteria: ICSL Variant Classification Criteria 13 December 2019. Collection method: clinical testing. Allele origin: germline.
Comment: This variant was observed in the ICSL laboratory as part of a predisposition screen in an ostensibly healthy population. It had not been previously curated by ICSL or reported in the Human Gene Mutation Database (HGMD: prior to June 1st, 2018), and was therefore a candidate for classification through an automated scoring system. Utilizing variant allele frequency, disease prevalence and penetrance estimates, and inheritance mode, an automated score was calculated to assess if this variant is too frequent to cause the disease. Based on the score and internal cut-off values, a variant classified as benign is not then subjected to further curation. The score for this variant resulted in a classification of benign for this disease.

Breakthrough Genomics
Classification: Benign. Review status: criteria provided, single submitter. Criteria: ACMG Guidelines, 2015. Collection method: not provided. Allele origin: germline. Inheritance: Autosomal dominant inheritance. Affected: yes.

NM_000315.4(PTH):c.276G>A (p.Glu92=)

Gene: PTH (parathyroid hormone; minus strand). Cytogenetic location: 11p15.3.
Variant type: single nucleotide variant.
Coding change: c.276G>A on transcript NM_000315.4 (MANE Select); coding-DNA position 276, G replaced by A.
Protein change: p.Glu92=; no amino-acid change (glutamic acid 92 retained).
Molecular consequence: synonymous variant.
Genome position (GRCh38, 1-based): chr11:13,492,477, C>T on the plus strand (G>A on the coding strand, the complement: PTH is on the minus strand). VCF-style: chr11-13492477-C-T. GRCh37 (hg19) VCF-style: chr11-13514024-C-T.
Other names: c.372G>A, p.Glu124= (NM_001316352.2).
Identifiers: ClinVar variation 303703 (VCV000303703.14), dbSNP rs76760723, ClinGen allele CA5893164.